The following is an entry in ClinVar:

ClinVar aggregate classification (germline): Likely pathogenic (1 of 4 stars; one submission).

Allele frequency attached by ClinVar (database versions not stated): gnomAD exomes below 0.00001.
gnomAD v4.1: 1 of 1,612,836 alleles (0.000062%); highest among the groups gnomAD compares: Non-Finnish European, 0.000085%; no homozygotes.

Submission:

Labcorp Genetics (formerly Invitae), Labcorp
Classification: Likely pathogenic. Last evaluated: 2023-02-17. Review status: criteria provided, single submitter. Criteria: Invitae Variant Classification Sherloc (09022015). Collection method: clinical testing. Allele origin: germline.
Comment: In summary, the currently available evidence indicates that the variant is pathogenic, but additional data are needed to prove that conclusively. Therefore, this variant has been classified as Likely Pathogenic. This sequence change affects a donor splice site in intron 40 of the COL4A3 gene. It is expected to disrupt RNA splicing. Variants that disrupt the donor or acceptor splice site typically lead to a loss of protein function (PMID: 16199547), and loss-of-function variants in COL4A3 are known to be pathogenic (PMID: 8956999, 24854265, 26809805, 27281700). This variant is not present in population databases (gnomAD no frequency). This variant has not been reported in the literature in individuals affected with COL4A3-related conditions. ClinVar contains an entry for this variant (Variation ID: 1505125). Algorithms developed to predict the effect of sequence changes on RNA splicing suggest that this variant may disrupt the consensus splice site.

Literature cited by the submitters: PubMed 16199547; PubMed 8956999; PubMed 24854265; PubMed 26809805; PubMed 27281700.

NM_000091.5(COL4A3):c.3517+1G>A

Genes: COL4A3 (collagen type IV alpha 3 chain; plus strand), MFF-DT (MFF divergent transcript; minus strand). Cytogenetic location: 2q36.3.
Variant type: single nucleotide variant.
Coding change: c.3517+1G>A on transcript NM_000091.5 (MANE Select); the canonical splice donor site of the intron after coding-DNA position 3517, G replaced by A.
Molecular consequence: splice donor variant.
Genome position (GRCh38, 1-based): chr2:227,295,063, G>A. VCF-style: chr2-227295063-G-A. GRCh37 (hg19) VCF-style: chr2-228159779-G-A.
Identifiers: ClinVar variation 1505125 (VCV001505125.6), dbSNP rs777495096, ClinGen allele CA350859016.